The following is an entry in ClinVar:

NM_017866.6(TMEM70):c.434del (p.Tyr145fs)

Gene: TMEM70 (transmembrane protein 70; plus strand). Cytogenetic location: 8q21.11.
Variant type: Deletion.
Coding change: c.434del on transcript NM_017866.6 (MANE Select); coding-DNA position 434, one base deleted (A; older notation c.434delA).
Protein change: p.Tyr145fs; shifts the reading frame from tyrosine 145.
Molecular consequence: frameshift variant. On other transcripts: 3 prime UTR variant (1), non-coding transcript variant (1).
Genome position (GRCh38, 1-based): chr8:73,981,272, A deleted. VCF-style (leftmost placement, unchanged base first): chr8-73981271-TA-T. GRCh37 (hg19) VCF-style: chr8-74893506-TA-T.
Other names: c.*124del (NM_001040613.3); short protein forms Y145fs.
Identifiers: ClinVar variation 3696897 (VCV003696897.2).

ClinVar aggregate classification (germline): Pathogenic (1 of 4 stars; one submission).

Conditions:
Mitochondrial complex V (ATP synthase) deficiency, nuclear type 2. Also called: MITOCHONDRIAL COMPLEX V (ATP SYNTHASE) DEFICIENCY, TMEM70 TYPE; Nuclear-Encoded ATPase Deficiency, TMEM70-Related; ENCEPHALOCARDIOMYOPATHY, MITOCHONDRIAL, NEONATAL, DUE TO ATP SYNTHASE DEFICIENCY. Identifiers: Orphanet 1194, MedGen C3279699, MONDO:0013546, OMIM 614052.

Submission:

Labcorp Genetics (formerly Invitae), Labcorp
Classification: Pathogenic for Mitochondrial complex V (ATP synthase) deficiency, nuclear type 2. Last evaluated: 2024-07-19. Review status: criteria provided, single submitter. Criteria: Invitae Variant Classification Sherloc (09022015). Collection method: clinical testing. Allele origin: germline.
Comment: This sequence change creates a premature translational stop signal (p.Tyr145Leufs*9) in the TMEM70 gene. While this is not anticipated to result in nonsense mediated decay, it is expected to disrupt the last 116 amino acid(s) of the TMEM70 protein. This variant is not present in population databases (gnomAD no frequency). This variant has not been reported in the literature in individuals affected with TMEM70-related conditions. This variant disrupts a region of the TMEM70 protein in which other variant(s) (p.Thr193Serfs*6) have been determined to be pathogenic (PMID: 21147908). This suggests that this is a clinically significant region of the protein, and that variants that disrupt it are likely to be disease-causing. For these reasons, this variant has been classified as Pathogenic.

Literature cited by the submitters: PubMed 21147908.